The following is an entry in ClinVar:

ClinVar aggregate classification (germline): Uncertain significance (1 of 4 stars; one submission).

Conditions:
Familial hemophagocytic lymphohistiocytosis 3 (FHL3). Also called: UNC13D-Related Familial Hemophagocytic Lymphohistiocytosis (UNC13D-fHLH). Identifiers: Orphanet 540, MedGen C1837174, MONDO:0012146, OMIM 608898.

gnomAD v4.1: 1 of 1,590,294 alleles (0.000063%); highest among the groups gnomAD compares: Non-Finnish European, 0.000086%; no homozygotes.

Submission:

Labcorp Genetics (formerly Invitae), Labcorp
Classification: Uncertain significance for Familial hemophagocytic lymphohistiocytosis 3. Last evaluated: 2026-01-06. Review status: criteria provided, single submitter. Criteria: Invitae Variant Classification Sherloc (09022015). Collection method: clinical testing. Allele origin: germline.
Comment: This sequence change replaces glutamic acid, which is acidic and polar, with lysine, which is basic and polar, at codon 910 of the UNC13D protein (p.Glu910Lys). This variant is not present in population databases (gnomAD no frequency). This variant has not been reported in the literature in individuals affected with UNC13D-related conditions. Invitae Evidence Modeling of protein sequence and biophysical properties (such as structural, functional, and spatial information, amino acid conservation, physicochemical variation, residue mobility, and thermodynamic stability) indicates that this missense variant is not expected to disrupt UNC13D protein function with a negative predictive value of 80%. In summary, the available evidence is currently insufficient to determine the role of this variant in disease. Therefore, it has been classified as a Variant of Uncertain Significance.

NM_199242.3(UNC13D):c.2728G>A (p.Glu910Lys)

Genes: UNC13D (unc-13 homolog D; minus strand), LOC112533672 (Sharpr-MPRA regulatory region 1193; plus strand). Cytogenetic location: 17q25.1.
Variant type: single nucleotide variant.
Coding change: c.2728G>A on transcript NM_199242.3 (MANE Select); coding-DNA position 2728, G replaced by A.
Protein change: p.Glu910Lys; replaces glutamic acid 910 with lysine.
Molecular consequence: missense variant.
Genome position (GRCh38, 1-based): chr17:75,830,464, C>T on the plus strand (G>A on the coding strand, the complement: UNC13D is on the minus strand). VCF-style: chr17-75830464-C-T. GRCh37 (hg19) VCF-style: chr17-73826545-C-T.
Other names: short protein forms E910K.
Identifiers: ClinVar variation 4778211 (VCV004778211.1).